The following is an entry in ClinVar:

ClinVar aggregate classification (germline): Likely benign. Review status: criteria provided, multiple submitters, no conflicts (2 of 4 stars). 2 submissions from 2 submitters: Likely benign (2). Last evaluated 2018-06-14.

Allele frequency attached by ClinVar (database versions not stated): TOPMed 0.03527; gnomAD 0.03185; 1000 Genomes Project 30x 0.06777; 1000 Genomes Project 0.07069.
gnomAD v4.1: 46,047 of 1,200,924 alleles (3.8%); highest among the groups gnomAD compares: South Asian, 15%; 1,705 homozygotes.

Submissions (2):

GeneDx
Classification: Likely benign. Last evaluated: 2018-06-14. Review status: criteria provided, single submitter. Criteria: GeneDx Variant Classification (06012015). Collection method: clinical testing. Allele origin: germline. Affected: yes.
Comment: This variant is considered likely benign or benign based on one or more of the following criteria: it is a conservative change, it occurs at a poorly conserved position in the protein, it is predicted to be benign by multiple in silico algorithms, and/or has population frequency not consistent with disease.

Breakthrough Genomics
Classification: Likely benign. Review status: criteria provided, single submitter. Criteria: ACMG Guidelines, 2015. Collection method: not provided. Allele origin: germline. Inheritance: Autosomal recessive inheritance. Affected: yes.

NM_016373.4(WWOX):c.792-135G>A

Gene: WWOX (WW domain containing oxidoreductase; plus strand). Cytogenetic location: 16q23.1.
Variant type: single nucleotide variant.
Coding change: c.792-135G>A on transcript NM_016373.4 (MANE Select); 135 bases into the intron before coding-DNA position 792, G replaced by A.
Molecular consequence: intron variant.
Genome position (GRCh38, 1-based): chr16:78,432,353, G>A. VCF-style: chr16-78432353-G-A. GRCh37 (hg19) VCF-style: chr16-78466250-G-A.
Other names: c.453-135G>A (NM_001291997.2).
Identifiers: ClinVar variation 670870 (VCV000670870.2), dbSNP rs72797976, ClinGen allele CA284547018.